The following is an entry in ClinVar:

ClinVar aggregate classification (germline): Uncertain significance (1 of 4 stars; one submission).

Submission:

Labcorp Genetics (formerly Invitae), Labcorp
Classification: Uncertain significance. Last evaluated: 2022-10-24. Review status: criteria provided, single submitter. Criteria: Invitae Variant Classification Sherloc (09022015). Collection method: clinical testing. Allele origin: germline.
Comment: In summary, the available evidence is currently insufficient to determine the role of this variant in disease. Therefore, it has been classified as a Variant of Uncertain Significance. Experimental studies and prediction algorithms are not available or were not evaluated, and the functional significance of this variant is currently unknown. ClinVar contains an entry for this variant (Variation ID: 1473481). This variant has not been reported in the literature in individuals affected with ARMC9-related conditions. This variant is not present in population databases (gnomAD no frequency). This sequence change replaces valine with glycine at codon 46 of the ARMC9 protein (p.Val46Gly). The valine residue is weakly conserved and there is a moderate physicochemical difference between valine and glycine.

NM_001352754.2(ARMC9):c.137T>G (p.Val46Gly)

Gene: ARMC9 (armadillo repeat containing 9; plus strand). Cytogenetic location: 2q37.1.
Variant type: single nucleotide variant.
Coding change: c.137T>G on transcript NM_001352754.2 (MANE Select); coding-DNA position 137, T replaced by G.
Protein change: p.Val46Gly; replaces valine 46 with glycine.
Molecular consequence: missense variant. On other transcripts: non-coding transcript variant (1).
Genome position (GRCh38, 1-based): chr2:231,208,212, T>G. VCF-style: chr2-231208212-T-G. GRCh37 (hg19) VCF-style: chr2-232072925-T-G.
Other names: c.137T>G, p.Val46Gly (NM_001271466.4, NM_001291656.2, NM_001352755.2 and 5 more transcripts); short protein forms V46G.
Identifiers: ClinVar variation 1473481 (VCV001473481.6), dbSNP rs1366767809, ClinGen allele CA350944483.